The following is an entry in ClinVar:

ClinVar aggregate classification (germline): Pathogenic (1 of 4 stars; one submission).

Conditions:
Walker-Warburg congenital muscular dystrophy. Also called: Muscular dystrophy-dystroglycanopathy, type A; Walker-Warburg syndrome. Identifiers: Orphanet 899, MedGen C0265221, MONDO:0000171.
Muscular dystrophy-dystroglycanopathy (congenital with impaired intellectual development), type B, 1. Also called: MUSCULAR DYSTROPHY, CONGENITAL, POMT1-RELATED; Muscular dystrophy-dystroglycanopathy (congenital with intellectual disability), type B1. Identifiers: MedGen C5436962, MONDO:0013159, OMIM 613155.
Autosomal recessive limb-girdle muscular dystrophy type 2K. Also called: MUSCULAR DYSTROPHY-DYSTROGLYCANOPATHY (LIMB-GIRDLE), TYPE C, 1; MUSCULAR DYSTROPHY, LIMB-GIRDLE, TYPE 2K. Identifiers: Orphanet 86812, MedGen C1836373, MONDO:0012248, OMIM 609308.

Allele frequency attached by ClinVar (database versions not stated): gnomAD exomes below 0.00001.

Submission:

Labcorp Genetics (formerly Invitae), Labcorp
Classification: Pathogenic for Muscular dystrophy-dystroglycanopathy (congenital with impaired intellectual development), type B, 1; Walker-Warburg congenital muscular dystrophy; Autosomal recessive limb-girdle muscular dystrophy type 2K. Last evaluated: 2023-10-08. Review status: criteria provided, single submitter. Criteria: Invitae Variant Classification Sherloc (09022015). Collection method: clinical testing. Allele origin: germline.
Comment: This sequence change creates a premature translational stop signal (p.Val417Cysfs*17) in the POMT1 gene. It is expected to result in an absent or disrupted protein product. Loss-of-function variants in POMT1 are known to be pathogenic (PMID: 12369018, 15637732, 16575835). This variant is not present in population databases (gnomAD no frequency). This premature translational stop signal has been observed in individual(s) with clinical features of muscular dystrophy-dystroglycanopathy (PMID: 18513969). For these reasons, this variant has been classified as Pathogenic.

Literature cited by the submitters: PubMed 12369018; PubMed 15637732; PubMed 16575835; PubMed 18513969.

NM_001077365.2(POMT1):c.1182dup (p.Val395fs)

Gene: POMT1 (protein O-mannosyltransferase 1; plus strand). Cytogenetic location: 9q34.13.
Variant type: Duplication.
Coding change: c.1182dup on transcript NM_001077365.2 (MANE Select); coding-DNA position 1182, one base duplicated (T; older notation c.1182dupT).
Protein change: p.Val395fs; shifts the reading frame from valine 395.
Molecular consequence: frameshift variant. On other transcripts: non-coding transcript variant (10).
Genome position (GRCh38, 1-based): chr9:131,515,432, T duplicated. VCF-style (leftmost placement, unchanged base first): chr9-131515431-A-AT. GRCh37 (hg19) VCF-style: chr9-134390818-A-AT.
Other names: c.1248dup, p.Val417fs (NM_001353193.2, NM_007171.4); c.1020dup, p.Val341fs (NM_001353194.2, NM_001077366.2); c.831dup, p.Val278fs (NM_001353195.2, NM_001136114.2, NM_001374691.1 and 2 more transcripts); c.1092dup, p.Val365fs (NM_001353196.2); c.1086dup, p.Val363fs (NM_001353197.2, NM_001353198.2); c.897dup, p.Val300fs (NM_001353199.2); c.726dup, p.Val243fs (NM_001353200.2); c.1170dup, p.Val391fs (NM_001374689.1); and 3 more; short protein forms V278fs, V300fs, V395fs, V243fs, V265fs, V341fs, V365fs, V363fs.
Identifiers: ClinVar variation 2925453 (VCV002925453.3), dbSNP rs2539264453, ClinGen allele CA2692218555.